The following is an entry in ClinVar:

ClinVar aggregate classification (germline): Pathogenic/Likely pathogenic. Review status: criteria provided, multiple submitters, no conflicts (2 of 4 stars). 6 submissions from 6 submitters: Pathogenic (1); Likely pathogenic (5). Last evaluated 2026-05-21.

Conditions:
MYO7A-related disorder. Also called: MYO7A-related disorders.
Rare genetic deafness. Identifiers: Orphanet 96210, MedGen C5680250.
Usher syndrome. Also called: Usher Syndromes; Usher's syndrome. Identifiers: Orphanet 886, MedGen CN469326, MeSH D052245, MONDO:0019501. Disease mechanism: loss of function.
Usher syndrome type 1 (USH1). Also called: RETINITIS PIGMENTOSA AND CONGENITAL DEAFNESS. Identifiers: Orphanet 231169, Orphanet 886, MedGen C1568247, MONDO:0010168, OMIM 276900.

Allele frequency attached by ClinVar (database versions not stated): gnomAD exomes below 0.00001; TOPMed 0.00002; gnomAD 0.00003 and 0.00004.

Submissions (6):

Myriad Genetics, Inc.
Classification: Likely pathogenic for Usher syndrome type 1. Last evaluated: 2026-05-21. Review status: criteria provided, single submitter. Criteria: Myriad Autosomal Dominant, Autosomal Recessive and X-Linked Classification Criteria (2023). Collection method: clinical testing. Allele origin: unknown.
Comment: NM_000260.3(MYO7A):c.1A>G(M1?) is an initiation codon variant classified as likely pathogenic in the context of MYO7A-related disorders. c.1A>G(M1?) has been observed in a case with relevant disease (PMID: 34391192). Relevant functional assessments of this variant are not available in the literature. c.1A>G(M1?) has been observed in referenced population frequency databases. In summary, NM_000260.3(MYO7A):c.1A>G(M1?) is an initiation codon variant that has been observed more frequently in cases with the relevant disease than in healthy populations. Please note: this variant was assessed in the context of healthy population screening.

Labcorp Genetics (formerly Invitae), Labcorp
Classification: Pathogenic. Last evaluated: 2023-10-27. Review status: criteria provided, single submitter. Criteria: Invitae Variant Classification Sherloc (09022015). Collection method: clinical testing. Allele origin: germline.
Comment: This sequence change affects the initiator methionine of the MYO7A mRNA. The next in-frame methionine is located at codon 12. This variant is present in population databases (rs797044518, gnomAD 0.004%). Disruption of the initiator codon has been observed in individuals with clinical features of autosome recessive MYO7A-related conditions (PMID: 30459346; Invitae). ClinVar contains an entry for this variant (Variation ID: 179567). This variant disrupts a region of the MYO7A protein in which other variant(s) (p.Gly7Val ) have been determined to be pathogenic (PMID: 30303587). This suggests that this is a clinically significant region of the protein, and that variants that disrupt it are likely to be disease-causing. For these reasons, this variant has been classified as Pathogenic.

Women's Health and Genetics/Laboratory Corporation of America, LabCorp
Classification: Likely pathogenic for Usher syndrome. Last evaluated: 2023-10-03. Review status: criteria provided, single submitter. Criteria: LabCorp Variant Classification Summary - May 2015. Collection method: clinical testing. Allele origin: germline.
Comment: Variant summary: MYO7A c.1A>G (p.Met1Val) alters the initiation codon and is predicted to result either in absence of the protein or truncation of the encoded protein due to translation initiation at a downstream codon. The next downstream in-frame initiation codon is at Met12. Another disruption of the initiator codon has been determined to be pathogenic in ClinVar (c.3G>A, p.Met1Ile). Three of three in-silico tools predict a benign effect of the variant on protein function. The variant allele was found at a frequency of 4e-06 in 247312 control chromosomes. c.1A>G has been reported in the literature (Hanany_2020). This report does not provide unequivocal conclusions about association of the variant with Usher Syndrome. To our knowledge, no experimental evidence demonstrating an impact on protein function has been reported. The following publication have been ascertained in the context of this evaluation (PMID: 31964843). Two submitters have cited clinical-significance assessments for this variant to ClinVar after 2014. All submitters classified the variant as likely pathogenic. Based on the evidence outlined above, the variant was classified as likely pathogenic.

Institute of Medical Genetics and Applied Genomics, University Hospital Tübingen
Classification: Likely pathogenic for Usher syndrome type 1. Last evaluated: 2022-12-05. Review status: criteria provided, single submitter. Criteria: ACMG Guidelines, 2015. Collection method: clinical testing. Allele origin: germline. Inheritance: Autosomal recessive inheritance. Affected: yes.

Blueprint Genetics
Classification: Likely pathogenic for MYO7A-related disorders. Last evaluated: 2018-07-09. Review status: criteria provided, single submitter. Criteria: ACMG Guidelines, 2015. Collection method: clinical testing. Allele origin: germline. Affected: yes. Observed: 1 variant allele.

Laboratory for Molecular Medicine, Mass General Brigham Personalized Medicine
Classification: Likely pathogenic for Rare genetic deafness. Last evaluated: 2017-07-17. Review status: criteria provided, single submitter. Criteria: LMM Criteria. Collection method: clinical testing. Allele origin: germline. Observed: 2 variant alleles.
Comment: proposed classification - variant undergoing re-assessment, contact laboratory

Literature cited by the submitters: PubMed 34391192 (cited by Myriad Genetics, Inc.); PubMed 30459346 (cited by Labcorp Genetics (formerly Invitae), Labcorp); PubMed 30303587 (cited by Labcorp Genetics (formerly Invitae), Labcorp); PubMed 31964843 (cited by Women's Health and Genetics/Laboratory Corporation of America, LabCorp).

NM_000260.4(MYO7A):c.1A>G (p.Met1Val)

Gene: MYO7A (myosin VIIA; plus strand). Cytogenetic location: 11q13.5.
Variant type: single nucleotide variant.
Coding change: c.1A>G on transcript NM_000260.4 (MANE Select); coding-DNA position 1, A replaced by G.
Protein change: p.Met1Val; changes the start codon (methionine 1).
Molecular consequence: missense variant, initiator codon variant. On other transcripts: 5 prime UTR variant (1).
Genome position (GRCh38, 1-based): chr11:77,130,635, A>G. VCF-style: chr11-77130635-A-G. GRCh37 (hg19) VCF-style: chr11-76841681-A-G.
Other names: c.1A>G, p.Met1Val (NM_001127180.2); c.-113A>G (NM_001369365.1); short protein forms M1V.
Identifiers: ClinVar variation 179567 (VCV000179567.12), dbSNP rs797044518, ClinGen allele CA278743.